The following is an entry in ClinVar:

ClinVar aggregate classification (germline): Uncertain significance. Review status: criteria provided, multiple submitters, no conflicts (2 of 4 stars). 4 submissions from 4 submitters: Uncertain significance (4). Last evaluated 2025-12-16.

Conditions:
RASopathy. Also called: rasopathies; Noonan spectrum disorder. Identifiers: Orphanet 536391, MedGen C5555857, MONDO:0021060.
Cardiovascular phenotype. Identifiers: MedGen CN230736.

Allele frequency attached by ClinVar (database versions not stated): TOPMed 0.00001.

Submissions (4):

Labcorp Genetics (formerly Invitae), Labcorp
Classification: Uncertain significance for RASopathy. Last evaluated: 2025-12-16. Review status: criteria provided, single submitter. Criteria: Invitae Variant Classification Sherloc (09022015). Collection method: clinical testing. Allele origin: germline.
Comment: This sequence change replaces leucine, which is neutral and non-polar, with proline, which is neutral and non-polar, at codon 1326 of the SOS1 protein (p.Leu1326Pro). This variant is not present in population databases (gnomAD no frequency). This variant has not been reported in the literature in individuals affected with SOS1-related conditions. ClinVar contains an entry for this variant (Variation ID: 1694953). Invitae Evidence Modeling of protein sequence and biophysical properties (such as structural, functional, and spatial information, amino acid conservation, physicochemical variation, residue mobility, and thermodynamic stability) indicates that this missense variant is not expected to disrupt SOS1 protein function with a negative predictive value of 95%. In summary, the available evidence is currently insufficient to determine the role of this variant in disease. Therefore, it has been classified as a Variant of Uncertain Significance.

GeneDx
Classification: Uncertain significance. Last evaluated: 2023-05-18. Review status: criteria provided, single submitter. Criteria: GeneDx Variant Classification Process June 2021. Collection method: clinical testing. Allele origin: germline. Affected: yes.
Comment: Not observed at significant frequency in large population cohorts (gnomAD); Missense variants in this gene are often considered pathogenic (HGMD); In silico analysis supports that this missense variant does not alter protein structure/function; Has not been previously published as pathogenic or benign to our knowledge; This variant is associated with the following publications: (PMID: 29493581)

Ambry Genetics
Classification: Uncertain significance for Cardiovascular phenotype. Last evaluated: 2022-11-20. Review status: criteria provided, single submitter. Criteria: Ambry Variant Classification Scheme 2023. Collection method: clinical testing. Allele origin: germline.
Comment: The p.L1326P variant (also known as c.3977T>C), located in coding exon 23 of the SOS1 gene, results from a T to C substitution at nucleotide position 3977. The leucine at codon 1326 is replaced by proline, an amino acid with similar properties. This amino acid position is conserved. In addition, the in silico prediction for this alteration is inconclusive. Since supporting evidence is limited at this time, the clinical significance of this alteration remains unclear.

CeGaT Center for Human Genetics Tuebingen
Classification: Uncertain significance. Last evaluated: 2022-06-01. Review status: criteria provided, single submitter. Criteria: CeGaT Center For Human Genetics Tuebingen Variant Classification Criteria Version 2. Collection method: clinical testing. Allele origin: germline. Affected: yes. Observed: 1 variant allele.
Comment: SOS1: PM2, PP3, BP5

NM_005633.4(SOS1):c.3977T>C (p.Leu1326Pro)

Gene: SOS1 (SOS Ras/Rac guanine nucleotide exchange factor 1; minus strand). Cytogenetic location: 2p22.1.
Variant type: single nucleotide variant.
Coding change: c.3977T>C on transcript NM_005633.4 (MANE Select); coding-DNA position 3977, T replaced by C.
Protein change: p.Leu1326Pro; replaces leucine 1326 with proline.
Molecular consequence: missense variant.
Genome position (GRCh38, 1-based): chr2:38,985,849, A>G on the plus strand (T>C on the coding strand, the complement: SOS1 is on the minus strand). VCF-style: chr2-38985849-A-G. GRCh37 (hg19) VCF-style: chr2-39212990-A-G.
Other names: c.3956T>C, p.Leu1319Pro (NM_001382394.1); c.3932T>C, p.Leu1311Pro (NM_001382395.1); c.3977T>C (NM_005633.3); short protein forms L1311P, L1319P, L1326P.
Identifiers: ClinVar variation 1694953 (VCV001694953.35), dbSNP rs1371048349, ClinGen allele CA346361911.